The following is an entry in ClinVar:

NM_001040142.2(SCN2A):c.4823-15G>T

Gene: SCN2A (sodium voltage-gated channel alpha subunit 2; plus strand). Cytogenetic location: 2q24.3.
Variant type: single nucleotide variant.
Coding change: c.4823-15G>T on transcript NM_001040142.2 (MANE Select); 15 bases into the intron before coding-DNA position 4823, G replaced by T.
Molecular consequence: intron variant.
Genome position (GRCh38, 1-based): chr2:165,388,614, G>T. VCF-style: chr2-165388614-G-T. GRCh37 (hg19) VCF-style: chr2-166245124-G-T.
Other names: c.4823-15G>T (NM_001040143.2, NM_001371246.1, NM_001371247.1 and 1 more transcripts).
Identifiers: ClinVar variation 509383 (VCV000509383.6), dbSNP rs375524288, ClinGen allele CA658795942.
Genomic context (GRCh38, chr2:165,388,614, plus strand): 5'-TAATGTACTTATGTAAACTTTCATTTGCTACTATTAAGTATAACAATATTTTTGTTATTT[G>T]TTGATTTTCTACAGGAATGTTTCTGGCTGAACTGATAGAAAAGTATTTTGTGTCCCCTAC-3'

ClinVar aggregate classification (germline): Likely benign. Review status: criteria provided, multiple submitters, no conflicts (2 of 4 stars). 2 submissions from 2 submitters: Likely benign (2). Last evaluated 2022-08-11.

Conditions:
Seizures, benign familial infantile, 3 (BFIS3). Also called: Familial neonatal seizures; CONVULSIONS, BENIGN FAMILIAL INFANTILE, 3. Identifiers: Orphanet 140927, Orphanet 306, MedGen C1843140, MONDO:0011904, OMIM 607745.
Developmental and epileptic encephalopathy, 11 (DEE11). Also called: Early infantile epileptic encephalopathy 11. Identifiers: Orphanet 1934, MedGen C3150987, MONDO:0013388, OMIM 613721.

gnomAD v4.1: 2 of 1,613,560 alleles (0.00012%); highest among the groups gnomAD compares: African/African-American, 0.0013%; no homozygotes.

Submissions (2):

Labcorp Genetics (formerly Invitae), Labcorp
Classification: Likely benign for Seizures, benign familial infantile, 3; Developmental and epileptic encephalopathy, 11. Last evaluated: 2022-08-11. Review status: criteria provided, single submitter. Criteria: Invitae Variant Classification Sherloc (09022015). Collection method: clinical testing. Allele origin: germline.

GeneDx
Classification: Likely benign. Last evaluated: 2017-05-08. Review status: criteria provided, single submitter. Criteria: GeneDx Variant Classification (06012015). Collection method: clinical testing. Allele origin: germline. Affected: yes.
Comment: This variant is considered likely benign or benign based on one or more of the following criteria: it is a conservative change, it occurs at a poorly conserved position in the protein, it is predicted to be benign by multiple in silico algorithms, and/or has population frequency not consistent with disease.